The following is an entry in ClinVar:

ClinVar aggregate classification (germline): Likely benign (1 of 4 stars; one submission).

gnomAD v4.1: 17 of 1,612,948 alleles (0.0011%); highest among the groups gnomAD compares: East Asian, 0.036%; no homozygotes.

Submission:

Mayo Clinic Laboratories, Mayo Clinic
Classification: Likely benign. Last evaluated: 2025-11-07. Review status: criteria provided, single submitter. Criteria: ACMG Guidelines, 2015. Collection method: clinical testing. Allele origin: germline. Observed: 1 variant allele.
Comment: BP4, BP7

NM_020442.6(VARS2):c.2982C>A (p.Ile994=)

Gene: VARS2 (valyl-tRNA synthetase 2, mitochondrial; plus strand). Cytogenetic location: 6p21.33.
Variant type: single nucleotide variant.
Coding change: c.2982C>A on transcript NM_020442.6 (MANE Select); coding-DNA position 2982, C replaced by A.
Protein change: p.Ile994=; no amino-acid change (isoleucine 994 retained).
Molecular consequence: synonymous variant.
Genome position (GRCh38, 1-based): chr6:30,925,900, C>A. VCF-style: chr6-30925900-C-A. GRCh37 (hg19) VCF-style: chr6-30893677-C-A.
Other names: p.Ile1024=; c.2562C>A, p.Ile854= (NM_001167733.3); c.3072C>A, p.Ile1024= (NM_001167734.2).
Identifiers: ClinVar variation 4684915 (VCV004684915.1).